The following is an entry in ClinVar:

NM_198578.4(LRRK2):c.5851T>C (p.Ser1951Pro)

Gene: LRRK2 (leucine rich repeat kinase 2; plus strand). Cytogenetic location: 12q12.
Variant type: single nucleotide variant.
Coding change: c.5851T>C on transcript NM_198578.4 (MANE Select); coding-DNA position 5851, T replaced by C.
Protein change: p.Ser1951Pro; replaces serine 1951 with proline.
Molecular consequence: missense variant.
Genome position (GRCh38, 1-based): chr12:40,335,060, T>C. VCF-style: chr12-40335060-T-C. GRCh37 (hg19) VCF-style: chr12-40728862-T-C.
Other names: short protein forms S1951P.
Identifiers: ClinVar variation 1750078 (VCV001750078.2), dbSNP rs1199156580, ClinGen allele CA384402154.

ClinVar aggregate classification (germline): Uncertain significance (1 of 4 stars; one submission).

Conditions:
Inborn genetic diseases. Identifiers: MedGen C0950123, MeSH D030342.

Allele frequency attached by ClinVar (database versions not stated): TOPMed below 0.00001; gnomAD exomes 0.00001.
gnomAD v4.1: 11 of 1,614,136 alleles (0.00068%); highest among the groups gnomAD compares: Non-Finnish European, 0.00076%; no homozygotes.

Submission:

Ambry Genetics
Classification: Uncertain significance for Inborn genetic diseases. Last evaluated: 2021-10-17. Review status: criteria provided, single submitter. Criteria: Ambry Variant Classification Scheme 2023. Collection method: clinical testing. Allele origin: germline.
Comment: The p.S1951P variant (also known as c.5851T>C), located in coding exon 40 of the LRRK2 gene, results from a T to C substitution at nucleotide position 5851. The serine at codon 1951 is replaced by proline, an amino acid with similar properties. This amino acid position is conserved. In addition, this alteration is predicted to be tolerated by in silico analysis. Since supporting evidence is limited at this time, the clinical significance of this alteration remains unclear.